The following is an entry in ClinVar:

ClinVar aggregate classification (germline): Uncertain significance. Review status: criteria provided, multiple submitters, no conflicts (2 of 4 stars). 2 submissions from 2 submitters: Uncertain significance (2). Last evaluated 2025-12-09.

Allele frequency attached by ClinVar (database versions not stated): gnomAD exomes 0.00008; ExAC 0.00004.
gnomAD v4.1: 153 of 1,527,380 alleles (0.01%); highest among the groups gnomAD compares: Middle Eastern, 0.017%; no homozygotes.

Submissions (2):

Labcorp Genetics (formerly Invitae), Labcorp
Classification: Uncertain significance. Last evaluated: 2025-12-09. Review status: criteria provided, single submitter. Criteria: Invitae Variant Classification Sherloc (09022015). Collection method: clinical testing. Allele origin: germline.
Comment: This sequence change replaces arginine, which is basic and polar, with glutamine, which is neutral and polar, at codon 133 of the LZTS1 protein (p.Arg133Gln). This variant is present in population databases (rs771666520, gnomAD 0.01%). This variant has not been reported in the literature in individuals affected with LZTS1-related conditions. ClinVar contains an entry for this variant (Variation ID: 1354355). Invitae Evidence Modeling of protein sequence and biophysical properties (such as structural, functional, and spatial information, amino acid conservation, physicochemical variation, residue mobility, and thermodynamic stability) indicates that this missense variant is not expected to disrupt LZTS1 protein function with a negative predictive value of 80%. In summary, the available evidence is currently insufficient to determine the role of this variant in disease. Therefore, it has been classified as a Variant of Uncertain Significance.

Ambry Genetics
Classification: Uncertain significance. Last evaluated: 2025-02-24. Review status: criteria provided, single submitter. Criteria: Ambry Variant Classification Scheme 2023. Collection method: clinical testing. Allele origin: germline.

NM_021020.5(LZTS1):c.398G>A (p.Arg133Gln)

Gene: LZTS1 (leucine zipper tumor suppressor 1; minus strand). Cytogenetic location: 8p21.3.
Variant type: single nucleotide variant.
Coding change: c.398G>A on transcript NM_021020.5 (MANE Select); coding-DNA position 398, G replaced by A.
Protein change: p.Arg133Gln; replaces arginine 133 with glutamine.
Molecular consequence: missense variant.
Genome position (GRCh38, 1-based): chr8:20,253,533, C>T on the plus strand (G>A on the coding strand, the complement: LZTS1 is on the minus strand). VCF-style: chr8-20253533-C-T. GRCh37 (hg19) VCF-style: chr8-20111044-C-T.
Other names: c.398G>A (NM_021020.2, NM_021020.3); c.398G>A, p.Arg133Gln (NM_001362884.2); short protein forms R133Q.
Identifiers: ClinVar variation 1354355 (VCV001354355.8), dbSNP rs771666520, ClinGen allele CA4657525.